The following is an entry in ClinVar:

ClinVar aggregate classification (germline): Likely benign. Review status: criteria provided, multiple submitters, no conflicts (2 of 4 stars). 4 submissions from 4 submitters: Likely benign (3). 1 of the submissions does not count toward it. Last evaluated 2025-10-02.

Conditions:
PLXNA1-related disorder. Also called: PLXNA1-related condition.

Allele frequency attached by ClinVar (database versions not stated): gnomAD 0.00013; ESP Exome Variant Server 0.00046.
gnomAD v4.1: 357 of 1,613,838 alleles (0.022%); highest among the groups gnomAD compares: Middle Eastern, 0.082%; 1 homozygote.

Submissions (4):

Labcorp Genetics (formerly Invitae), Labcorp
Classification: Likely benign. Last evaluated: 2025-10-02. Review status: criteria provided, single submitter. Criteria: Invitae Variant Classification Sherloc (09022015). Collection method: clinical testing. Allele origin: germline.

Blueprint Genetics
Classification: Likely benign. Last evaluated: 2024-10-30. Review status: criteria provided, single submitter. Criteria: ACMG Guidelines, 2015. Collection method: clinical testing. Allele origin: germline.

CeGaT Center for Human Genetics Tuebingen
Classification: Likely benign. Last evaluated: 2023-04-01. Review status: criteria provided, single submitter. Criteria: CeGaT Center For Human Genetics Tuebingen Variant Classification Criteria Version 2. Collection method: clinical testing. Allele origin: germline. Affected: yes. Observed: 2 variant alleles.
Comment: PLXNA1: BP4, BP7

PreventionGenetics, part of Exact Sciences
Classification: Likely benign for PLXNA1-related condition. Last evaluated: 2021-07-13. Review status: no assertion criteria provided. Collection method: clinical testing. Allele origin: germline. Not counted in ClinVar's aggregate classification.
Comment: This variant is classified as likely benign based on ACMG/AMP sequence variant interpretation guidelines (Richards et al. 2015 PMID: 25741868, with internal and published modifications).

NM_032242.4(PLXNA1):c.4809G>A (p.Lys1603=)

Gene: PLXNA1 (plexin A1; plus strand). Cytogenetic location: 3q21.3.
Variant type: single nucleotide variant.
Coding change: c.4809G>A on transcript NM_032242.4 (MANE Select); coding-DNA position 4809, G replaced by A.
Protein change: p.Lys1603=; no amino-acid change (lysine 1603 retained).
Molecular consequence: synonymous variant.
Genome position (GRCh38, 1-based): chr3:127,029,475, G>A. VCF-style: chr3-127029475-G-A. GRCh37 (hg19) VCF-style: chr3-126748318-G-A.
Other names: c.4809G>A (NM_032242.3).
Identifiers: ClinVar variation 2654103 (VCV002654103.29), dbSNP rs199503214, ClinGen allele CA2594508.